The following is an entry in ClinVar:

NM_032444.4(SLX4):c.3289C>T (p.His1097Tyr)

Gene: SLX4 (SLX4 structure-specific endonuclease subunit; minus strand). Cytogenetic location: 16p13.3.
Variant type: single nucleotide variant.
Coding change: c.3289C>T on transcript NM_032444.4 (MANE Select); coding-DNA position 3289, C replaced by T.
Protein change: p.His1097Tyr; replaces histidine 1097 with tyrosine.
Molecular consequence: missense variant.
Genome position (GRCh38, 1-based): chr16:3,590,349, G>A on the plus strand (C>T on the coding strand, the complement: SLX4 is on the minus strand). VCF-style: chr16-3590349-G-A. GRCh37 (hg19) VCF-style: chr16-3640350-G-A.
Other names: short protein forms H1097Y.
Identifiers: ClinVar variation 3706700 (VCV003706700.2).
Genomic context (GRCh38, chr16:3,590,349, plus strand): 5'-ACATCAGGACCCCCTTATTTCTGCACTCCAGCACGGACCGACGCTCTTTGCCTTTCTGGT[G>A]CCCTGGCTCTTTAGACAGCGTGAGGATGCTCCTGTCCCTTTTCTGCTTTGATGGCACAGC-3'
Protein context (NP_115820.2, residues 1087-1107): SILTLSKEPG[His1097Tyr]QKGKERRSVL

ClinVar aggregate classification (germline): Uncertain significance (1 of 4 stars; one submission).

Conditions:
Fanconi anemia (FA). Also called: Fanconi's anemia. Identifiers: Orphanet 84, MedGen C0015625, MeSH D005199, MONDO:0019391.

Submission:

Labcorp Genetics (formerly Invitae), Labcorp
Classification: Uncertain significance for Fanconi anemia. Last evaluated: 2024-05-19. Review status: criteria provided, single submitter. Criteria: Invitae Variant Classification Sherloc (09022015). Collection method: clinical testing. Allele origin: germline.
Comment: This sequence change replaces histidine, which is basic and polar, with tyrosine, which is neutral and polar, at codon 1097 of the SLX4 protein (p.His1097Tyr). This variant is present in population databases (no rsID available, gnomAD 0.006%). This variant has not been reported in the literature in individuals affected with SLX4-related conditions. An algorithm developed to predict the effect of missense changes on protein structure and function (PolyPhen-2) suggests that this variant is likely to be disruptive. In summary, the available evidence is currently insufficient to determine the role of this variant in disease. Therefore, it has been classified as a Variant of Uncertain Significance.